The following is an entry in ClinVar:

ClinVar aggregate classification (germline): Uncertain significance (1 of 4 stars; one submission).

Allele frequency attached by ClinVar (database versions not stated): gnomAD 0.00001; gnomAD exomes 0.00002; ExAC 0.00007.
gnomAD v4.1: 24 of 1,553,566 alleles (0.0015%); highest among the groups gnomAD compares: Middle Eastern, 0.017%; no homozygotes.

Submission:

Labcorp Genetics (formerly Invitae), Labcorp
Classification: Uncertain significance. Last evaluated: 2024-07-17. Review status: criteria provided, single submitter. Criteria: Invitae Variant Classification Sherloc (09022015). Collection method: clinical testing. Allele origin: germline.
Comment: This sequence change replaces arginine, which is basic and polar, with tryptophan, which is neutral and slightly polar, at codon 674 of the CLCN7 protein (p.Arg674Trp). The frequency data for this variant in the population databases is considered unreliable, as metrics indicate poor data quality at this position in the gnomAD database. This variant has not been reported in the literature in individuals affected with CLCN7-related conditions. ClinVar contains an entry for this variant (Variation ID: 1963856). Advanced modeling of protein sequence and biophysical properties (such as structural, functional, and spatial information, amino acid conservation, physicochemical variation, residue mobility, and thermodynamic stability) performed at Invitae indicates that this missense variant is expected to disrupt CLCN7 protein function with a positive predictive value of 95%. In summary, the available evidence is currently insufficient to determine the role of this variant in disease. Therefore, it has been classified as a Variant of Uncertain Significance.

NM_001287.6(CLCN7):c.2020C>T (p.Arg674Trp)

Gene: CLCN7 (chloride voltage-gated channel 7; minus strand). Cytogenetic location: 16p13.3.
Variant type: single nucleotide variant.
Coding change: c.2020C>T on transcript NM_001287.6 (MANE Select); coding-DNA position 2020, C replaced by T.
Protein change: p.Arg674Trp; replaces arginine 674 with tryptophan.
Molecular consequence: missense variant.
Genome position (GRCh38, 1-based): chr16:1,447,708, G>A on the plus strand (C>T on the coding strand, the complement: CLCN7 is on the minus strand). VCF-style: chr16-1447708-G-A. GRCh37 (hg19) VCF-style: chr16-1497709-G-A.
Other names: c.1948C>T, p.Arg650Trp (NM_001114331.3); short protein forms R650W, R674W.
Identifiers: ClinVar variation 1963856 (VCV001963856.5), dbSNP rs753799531, ClinGen allele CA7809936.
Genomic context (GRCh38, chr16:1,447,708, plus strand): 5'-CACGCACCTTGTGCTTTAGGAGAACGATGAGCTGGGAGCGCAGGATCAGGCCCTGGAGCC[G>A]GGCAGGCTGCAAGACAGGCCCGCGGTCAGGGCCACGGGCCCGAGGGTGGGAGGCTGCGCT-3'
Protein context (NP_001278.1, residues 664-684): VEHADDTQPA[Arg674Trp]LQGLILRSQL